The following is an entry in ClinVar:

NM_016203.4(PRKAG2):c.207G>A (p.Pro69=)

Gene: PRKAG2 (protein kinase AMP-activated non-catalytic subunit gamma 2; minus strand). Cytogenetic location: 7q36.1.
Variant type: single nucleotide variant.
Coding change: c.207G>A on transcript NM_016203.4 (MANE Select); coding-DNA position 207, G replaced by A.
Protein change: p.Pro69=; no amino-acid change (proline 69 retained).
Molecular consequence: synonymous variant.
Genome position (GRCh38, 1-based): chr7:151,781,411, C>T on the plus strand (G>A on the coding strand, the complement: PRKAG2 is on the minus strand). VCF-style: chr7-151781411-C-T. GRCh37 (hg19) VCF-style: chr7-151478497-C-T.
Other names: p.Pro69=; c.75G>A, p.Pro25= (NM_001040633.2).
Identifiers: ClinVar variation 45709 (VCV000045709.51), dbSNP rs144384573, ClinGen allele CA014045.
Genomic context (GRCh38, chr7:151,781,411, plus strand): 5'-CATGGGGCTGGAGGGCCGGGGCTGGGGGCCTCTGGAGAAGAACCCTTTGGAGGGGCTGCC[C>T]GGGCCGAAGGGGCTGTCCACCTGCAGAAAAACAGACGAATGGATGCAGTCACTCCACGCT-3'
Protein context (NP_057287.2, residues 59-79): SSRKVDSPFG[Pro69=]GSPSKGFFSR

ClinVar aggregate classification (germline): Benign. Review status: criteria provided, multiple submitters, no conflicts (2 of 4 stars). 18 submissions from 17 submitters: Benign (15). 3 of the submissions do not count toward it. Last evaluated 2026-02-04.

Conditions:
Cardiovascular phenotype. Identifiers: MedGen CN230736.
Cardiomyopathy (CMYO). Also called: Cardiomyopathies. Identifiers: Orphanet 167848, MedGen C0878544, MONDO:0004994, HP:0001638. Inheritance: Various modes of inheritance.
Lethal congenital glycogen storage disease of heart. Also called: GLYCOGEN STORAGE DISEASE OF HEART; PHOSPHORYLASE KINASE DEFICIENCY OF HEART. Identifiers: Orphanet 439854, MedGen C1849813, MONDO:0009867, OMIM 261740.
Hypertrophic cardiomyopathy 6. Identifiers: MedGen C1833236, MONDO:0010946, OMIM 600858.
Wolff-Parkinson-White pattern. Also called: WPW SYNDROME; Auriculoventricular accessory pathway syndrome; False bundle branch block syndrome; Anomalous ventricular excitation syndrome. Identifiers: MedGen C0043202, MONDO:0008685, OMIM 194200, HP:0001716.
Hypertrophic cardiomyopathy. Also called: HYPERTROPHIC MYOCARDIOPATHY. Identifiers: Orphanet 217569, MedGen C0007194, MeSH D002312, MONDO:0005045, HP:0001639.

Allele frequency attached by ClinVar (database versions not stated): ESP Exome Variant Server 0.00031; gnomAD 0.00538 and 0.00565; TOPMed 0.00782; 1000 Genomes Project 0.01298; 1000 Genomes Project 30x 0.01343.
gnomAD v4.1: 4,799 of 1,609,018 alleles (0.3%); highest among the groups gnomAD compares: Admixed American, 4.4%; 124 homozygotes.

Submissions (18):

Labcorp Genetics (formerly Invitae), Labcorp
Classification: Benign for Lethal congenital glycogen storage disease of heart. Last evaluated: 2026-02-04. Review status: criteria provided, single submitter. Criteria: Invitae Variant Classification Sherloc (09022015). Collection method: clinical testing. Allele origin: germline.

ARUP Laboratories, Molecular Genetics and Genomics, ARUP Laboratories
Classification: Benign. Last evaluated: 2025-07-17. Review status: criteria provided, single submitter. Criteria: ARUP Molecular Germline Variant Investigation Process 2024. Collection method: clinical testing. Allele origin: germline.

Molecular Diagnostic Laboratory for Inherited Cardiovascular Disease, Montreal Heart Institute
Classification: Benign. Last evaluated: 2025-04-09. Review status: criteria provided, single submitter. Criteria: ACMG Guidelines, 2015. Collection method: clinical testing. Allele origin: germline. Affected: no.

All of Us Research Program, National Institutes of Health
Classification: Benign for Hypertrophic cardiomyopathy. Last evaluated: 2024-02-05. Review status: criteria provided, single submitter. Criteria: ACMG Guidelines, 2015. Collection method: clinical testing. Allele origin: germline. Inheritance: Autosomal dominant inheritance. Observed: 913 variant alleles, 901 heterozygotes, 12 homozygotes.
Comment: This study involves interpretation of variants in research participants for the purpose of population health screening. Participant phenotype was not available at the time of variant classification. Additional details can be found in publication PMID: 35346344, PMCID: PMC8962531

Mayo Clinic Laboratories, Mayo Clinic
Classification: Benign. Last evaluated: 2023-11-07. Review status: criteria provided, single submitter. Criteria: ACMG Guidelines, 2015. Collection method: clinical testing. Allele origin: germline. Observed: 27 variant alleles.
Comment: BA1, BP4, BP7

Color Diagnostics, LLC DBA Color Health
Classification: Benign for Cardiomyopathy. Last evaluated: 2018-03-16. Review status: criteria provided, single submitter. Criteria: ACMG Guidelines, 2015. Collection method: clinical testing. Allele origin: germline.

Illumina Laboratory Services, Illumina
Classification: Benign for Hypertrophic cardiomyopathy 6. Last evaluated: 2018-01-12. Review status: criteria provided, single submitter. Criteria: ICSL Variant Classification Criteria 13 December 2019. Collection method: clinical testing. Allele origin: germline.
Comment: This variant was observed in the ICSL laboratory as part of a predisposition screen in an ostensibly healthy population. It had not been previously curated by ICSL or reported in the Human Gene Mutation Database (HGMD: prior to June 1st, 2018), and was therefore a candidate for classification through an automated scoring system. Utilizing variant allele frequency, disease prevalence and penetrance estimates, and inheritance mode, an automated score was calculated to assess if this variant is too frequent to cause the disease. Based on the score and internal cut-off values, a variant classified as benign is not then subjected to further curation. The score for this variant resulted in a classification of benign for this disease.

Illumina Laboratory Services, Illumina
Classification: Benign for Wolff-Parkinson-White pattern. Last evaluated: 2018-01-12. Review status: criteria provided, single submitter. Criteria: ICSL Variant Classification Criteria 13 December 2019. Collection method: clinical testing. Allele origin: germline.
Comment: the same text as in the submission from Illumina Laboratory Services, Illumina above.

CHEO Genetics Diagnostic Laboratory, Children's Hospital of Eastern Ontario
Classification: Benign for Cardiomyopathy. Last evaluated: 2016-03-23. Review status: criteria provided, single submitter. Criteria: ACMG Guidelines, 2015. Collection method: clinical testing. Allele origin: germline. Study: Canadian Open Genetics Repository.

Laboratory for Molecular Medicine, Mass General Brigham Personalized Medicine
Classification: Benign. Last evaluated: 2015-03-11. Review status: criteria provided, single submitter. Criteria: LMM Criteria. Collection method: clinical testing. Allele origin: germline. Observed: 40 variant alleles.
Comment: p.Pro69Pro in exon 3 of PRKAG2: This variant is not expected to have clinical si gnificance because it has been identified in 7.4% (511/6946) Latino chromosomes by the Exome Aggregation Consortium (ExAC; dbSNP dbSNP rs144384573).

GeneDx
Classification: Benign. Last evaluated: 2015-03-03. Review status: criteria provided, single submitter. Criteria: GeneDx Variant Classification Process June 2021. Collection method: clinical testing. Allele origin: germline. Affected: yes.

Eurofins Ntd Llc (ga)
Classification: Benign. Last evaluated: 2015-02-12. Review status: criteria provided, single submitter. Criteria: EGL Classification Definitions 2015. Collection method: clinical testing. Allele origin: germline. Observed: 1 variant allele, 1 heterozygote.

Ambry Genetics
Classification: Benign for Cardiovascular phenotype. Last evaluated: 2014-12-08. Review status: criteria provided, single submitter. Criteria: Ambry Variant Classification Scheme 2023. Collection method: clinical testing. Allele origin: germline.

Breakthrough Genomics
Classification: Benign. Review status: criteria provided, single submitter. Criteria: ACMG Guidelines, 2015. Collection method: not provided. Allele origin: germline. Inheritance: Autosomal dominant inheritance. Affected: yes.

PreventionGenetics, part of Exact Sciences
Classification: Benign. Review status: criteria provided, single submitter. Criteria: ACMG Guidelines, 2015. Collection method: clinical testing. Allele origin: germline.

Clinical Genetics DNA and cytogenetics Diagnostics Lab, Erasmus MC, Erasmus Medical Center
Classification: Likely benign. Review status: no assertion criteria provided. Collection method: clinical testing. Allele origin: germline. Affected: yes. Study: VKGL Data-share Consensus. Not counted in ClinVar's aggregate classification.

Clinical Genetics, Academic Medical Center
Classification: Benign. Review status: no assertion criteria provided. Collection method: clinical testing. Allele origin: germline. Affected: yes. Study: VKGL Data-share Consensus. Not counted in ClinVar's aggregate classification.

Joint Genome Diagnostic Labs from Nijmegen and Maastricht, Radboudumc and MUMC+
Classification: Benign. Review status: no assertion criteria provided. Collection method: clinical testing. Allele origin: germline. Affected: yes. Study: VKGL Data-share Consensus. Not counted in ClinVar's aggregate classification.